The following is an entry in ClinVar:

NM_001042424.3(NSD2):c.1383G>T (p.Leu461Phe)

Gene: NSD2 (nuclear receptor binding SET domain protein 2; plus strand). Cytogenetic location: 4p16.3.
Variant type: single nucleotide variant.
Coding change: c.1383G>T on transcript NM_001042424.3 (MANE Select); coding-DNA position 1383, G replaced by T.
Protein change: p.Leu461Phe; replaces leucine 461 with phenylalanine.
Molecular consequence: missense variant.
Genome position (GRCh38, 1-based): chr4:1,918,596, G>T. VCF-style: chr4-1918596-G-T. GRCh37 (hg19) VCF-style: chr4-1920323-G-T.
Other names: c.1383G>T, p.Leu461Phe (NM_001440892.1, NM_001440894.1, NM_001440895.1 and 8 more transcripts); c.1482G>T, p.Leu494Phe (NM_001440893.1); c.414G>T, p.Leu138Phe (NM_001440899.1, NM_001440900.1); short protein forms L138F, L461F, L494F.
Identifiers: ClinVar variation 5002985 (VCV005002985.1).

ClinVar aggregate classification (germline): Uncertain significance (1 of 4 stars; one submission).

Conditions:
Rauch-Steindl syndrome (RAUST). Identifiers: Orphanet 659642, MedGen C5562061, MONDO:0859219, OMIM 619695.

gnomAD v4.1: 7 of 1,613,668 alleles (0.00043%); highest among the groups gnomAD compares: East Asian, 0.011%; no homozygotes.

Submission:

OLLIN Analises Genomicas, OLLIN
Classification: Uncertain significance for Rauch-Steindl syndrome. Last evaluated: 2026-08-06. Review status: criteria provided, single submitter. Criteria: ACMG Guidelines 2015 PMID 25741868. Collection method: clinical testing. Allele origin: germline. Inheritance: Autosomal dominant inheritance.
Comment: This missense variant, located in exon 5 (of 22), has been observed in gnomAD with an allele frequency of 0.00043%, but has not been reported in ClinVar or identified in the literature. In silico analysis is inconclusive regarding the impact of this variant. This gene is constrained for missense variation. According to the currently available evidence, this variant has been classified as uncertain significance (PP2).